The following is an entry in ClinVar:

ClinVar aggregate classification (germline): Benign/Likely benign. Review status: criteria provided, multiple submitters, no conflicts (2 of 4 stars). 4 submissions from 4 submitters: Benign (1); Likely benign (3). Last evaluated 2024-09-13.

Conditions:
Hereditary cancer-predisposing syndrome. Also called: Tumor predisposition; Hereditary Cancer Syndrome; Neoplastic Syndromes, Hereditary; Hereditary neoplastic syndrome. Identifiers: Orphanet 140162, MedGen C0027672, MeSH D009386, MONDO:0015356.
Hereditary diffuse gastric adenocarcinoma (HDGC). Also called: DIFFUSE GASTRIC AND LOBULAR BREAST CANCER SYNDROME. Identifiers: Orphanet 26106, MedGen C1708349, MONDO:0007648, OMIM 137215.

Submissions (4):

Myriad Genetics, Inc.
Classification: Benign for Hereditary diffuse gastric adenocarcinoma. Last evaluated: 2024-09-13. Review status: criteria provided, single submitter. Criteria: Myriad Autosomal Dominant, Autosomal Recessive and X-Linked Classification Criteria (2023). Collection method: clinical testing. Allele origin: unknown.
Comment: This variant is considered benign. This variant is a silent/synonymous amino acid change and it is not expected to impact splicing.

Labcorp Genetics (formerly Invitae), Labcorp
Classification: Likely benign for Hereditary diffuse gastric adenocarcinoma. Last evaluated: 2024-06-11. Review status: criteria provided, single submitter. Criteria: Invitae Variant Classification Sherloc (09022015). Collection method: clinical testing. Allele origin: germline.

Ambry Genetics
Classification: Likely benign for Hereditary cancer-predisposing syndrome. Last evaluated: 2020-02-27. Review status: criteria provided, single submitter. Criteria: Ambry Variant Classification Scheme 2023. Collection method: clinical testing. Allele origin: germline.

Color Diagnostics, LLC DBA Color Health
Classification: Likely benign for Hereditary cancer-predisposing syndrome. Last evaluated: 2019-06-05. Review status: criteria provided, single submitter. Criteria: ACMG Guidelines, 2015. Collection method: clinical testing. Allele origin: germline.

NM_004360.5(CDH1):c.540C>T (p.Ser180=)

Gene: CDH1 (cadherin 1; plus strand). Cytogenetic location: 16q22.1.
Variant type: single nucleotide variant.
Coding change: c.540C>T on transcript NM_004360.5 (MANE Select); coding-DNA position 540, C replaced by T.
Protein change: p.Ser180=; no amino-acid change (serine 180 retained).
Molecular consequence: synonymous variant. On other transcripts: 5 prime UTR variant (2).
Genome position (GRCh38, 1-based): chr16:68,808,701, C>T. VCF-style: chr16-68808701-C-T. GRCh37 (hg19) VCF-style: chr16-68842604-C-T.
Other names: c.540C>T, p.Ser180= (NM_001317184.2); c.-1076C>T (NM_001317185.2); c.-1280C>T (NM_001317186.2).
Identifiers: ClinVar variation 753692 (VCV000753692.16), dbSNP rs1597890935, ClinGen allele CA496392349.